The following is an entry in ClinVar:

NM_000368.5(TSC1):c.431C>A (p.Pro144Gln)

Gene: TSC1 (TSC complex subunit 1; minus strand). Cytogenetic location: 9q34.13.
Variant type: single nucleotide variant.
Coding change: c.431C>A on transcript NM_000368.5 (MANE Select); coding-DNA position 431, C replaced by A.
Protein change: p.Pro144Gln; replaces proline 144 with glutamine.
Molecular consequence: missense variant.
Genome position (GRCh38, 1-based): chr9:132,923,425, G>T on the plus strand (C>A on the coding strand, the complement: TSC1 is on the minus strand). VCF-style: chr9-132923425-G-T. GRCh37 (hg19) VCF-style: chr9-135798812-G-T.
Other names: c.431C>A, p.Pro144Gln (NM_001162426.2); c.278C>A, p.Pro93Gln (NM_001162427.2); c.68C>A, p.Pro23Gln (NM_001362177.2); short protein forms P23Q, P93Q, P144Q.
Identifiers: ClinVar variation 863848 (VCV000863848.9), dbSNP rs1846676674, ClinGen allele CA375373463.

ClinVar aggregate classification (germline): Uncertain significance (1 of 4 stars; one submission).

Conditions:
Tuberous sclerosis 1 (TSC1). Identifiers: Orphanet 805, MedGen C1854465, MONDO:0008612, OMIM 191100.

Submission:

Labcorp Genetics (formerly Invitae), Labcorp
Classification: Uncertain significance for Tuberous sclerosis 1. Last evaluated: 2020-03-05. Review status: criteria provided, single submitter. Criteria: Invitae Variant Classification Sherloc (09022015). Collection method: clinical testing. Allele origin: germline.
Comment: In summary, the available evidence is currently insufficient to determine the role of this variant in disease. Therefore, it has been classified as a Variant of Uncertain Significance. Algorithms developed to predict the effect of missense changes on protein structure and function are either unavailable or do not agree on the potential impact of this missense change (SIFT: "Deleterious"; PolyPhen-2: "Probably Damaging"; Align-GVGD: "Class C0"). This variant has not been reported in the literature in individuals with TSC1-related conditions. This variant is not present in population databases (ExAC no frequency). This sequence change replaces proline with glutamine at codon 144 of the TSC1 protein (p.Pro144Gln). The proline residue is highly conserved and there is a moderate physicochemical difference between proline and glutamine.